The following is an entry in ClinVar:

NM_012309.5(SHANK2):c.3234T>C (p.Phe1078=)

Gene: SHANK2 (SH3 and multiple ankyrin repeat domains 2; minus strand). Cytogenetic location: 11q13.3.
Variant type: single nucleotide variant.
Coding change: c.3234T>C on transcript NM_012309.5 (MANE Select); coding-DNA position 3234, T replaced by C.
Protein change: p.Phe1078=; no amino-acid change (phenylalanine 1078 retained).
Molecular consequence: synonymous variant.
Genome position (GRCh38, 1-based): chr11:70,487,059, A>G on the plus strand (T>C on the coding strand, the complement: SHANK2 is on the minus strand). VCF-style: chr11-70487059-A-G. GRCh37 (hg19) VCF-style: chr11-70333164-A-G.
Other names: c.2097T>C, p.Phe699= (NM_001379226.1); c.3354T>C, p.Phe1118= (NM_001441024.1); c.3183T>C, p.Phe1061= (NM_001441025.1, NM_001441026.1, NM_001441027.1 and 8 more transcripts); c.3156T>C, p.Phe1052= (NM_001441035.1, NM_001441036.1, NM_001441037.1); c.3111T>C, p.Phe1037= (NM_001441038.1); c.2067T>C, p.Phe689= (NM_001441040.1); c.2019T>C, p.Phe673= (NM_001441041.1); c.1461T>C, p.Phe487= (NM_001441042.1); and 6 more.
Identifiers: ClinVar variation 4872938 (VCV004872938.3).

ClinVar aggregate classification (germline): Likely benign. Review status: criteria provided, multiple submitters, no conflicts (2 of 4 stars). 2 submissions from 2 submitters: Likely benign (2). Last evaluated 2026-05-01.

gnomAD v4.1: 551 of 1,609,072 alleles (0.034%); highest among the groups gnomAD compares: East Asian, 0.42%; 6 homozygotes.

Submissions (2):

CeGaT Center for Human Genetics Tuebingen
Classification: Likely benign. Last evaluated: 2026-05-01. Review status: criteria provided, single submitter. Criteria: CeGaT Center For Human Genetics Tuebingen Variant Classification Criteria Version 2. Collection method: clinical testing. Allele origin: germline. Affected: yes. Observed: 1 variant allele.
Comment: SHANK2: BP4, BP7, BS1

Blueprint Genetics
Classification: Likely benign. Last evaluated: 2024-10-21. Review status: criteria provided, single submitter. Criteria: ACMG Guidelines, 2015. Collection method: clinical testing. Allele origin: germline.